The following is an entry in ClinVar:

ClinVar aggregate classification (germline): Uncertain significance (1 of 4 stars; one submission).

gnomAD v4.1: 1 of 1,551,642 alleles (0.000064%); highest among the groups gnomAD compares: Non-Finnish European, 0.000087%; no homozygotes.

Submission:

Labcorp Genetics (formerly Invitae), Labcorp
Classification: Uncertain significance. Last evaluated: 2025-08-24. Review status: criteria provided, single submitter. Criteria: Invitae Variant Classification Sherloc (09022015). Collection method: clinical testing. Allele origin: germline.
Comment: This sequence change replaces leucine, which is neutral and non-polar, with proline, which is neutral and non-polar, at codon 1880 of the TET2 protein (p.Leu1880Pro). This variant is not present in population databases (gnomAD no frequency). This variant has not been reported in the literature in individuals affected with TET2-related conditions. An algorithm developed to predict the effect of missense changes on protein structure and function (PolyPhen-2) suggests that this variant is likely to be disruptive. In summary, the available evidence is currently insufficient to determine the role of this variant in disease. Therefore, it has been classified as a Variant of Uncertain Significance.

NM_001127208.3(TET2):c.5639T>C (p.Leu1880Pro)

Genes: TET2 (tet methylcytosine dioxygenase 2; plus strand), TET2-AS1 (TET2 antisense RNA 1; minus strand). Cytogenetic location: 4q24.
Variant type: single nucleotide variant.
Coding change: c.5639T>C on transcript NM_001127208.3 (MANE Select); coding-DNA position 5639, T replaced by C.
Protein change: p.Leu1880Pro; replaces leucine 1880 with proline.
Molecular consequence: missense variant.
Genome position (GRCh38, 1-based): chr4:105,276,149, T>C. VCF-style: chr4-105276149-T-C. GRCh37 (hg19) VCF-style: chr4-106197306-T-C.
Other names: short protein forms L1880P.
Identifiers: ClinVar variation 4774045 (VCV004774045.1).